The following is an entry in ClinVar:

ClinVar aggregate classification (germline): Uncertain significance. Review status: criteria provided, multiple submitters, no conflicts (2 of 4 stars). 4 submissions from 4 submitters: Uncertain significance (4). Last evaluated 2025-09-11.

Conditions:
ETV6-related disorder. Also called: ETV6-related condition.
Inborn genetic diseases. Identifiers: MedGen C0950123, MeSH D030342.

Allele frequency attached by ClinVar (database versions not stated): ExAC 0.00002; gnomAD exomes 0.00002; TOPMed 0.00002.
gnomAD v4.1: 37 of 1,614,028 alleles (0.0023%); highest among the groups gnomAD compares: Middle Eastern, 0.016%; no homozygotes.

Submissions (4):

Ambry Genetics
Classification: Uncertain significance for Inborn genetic diseases. Last evaluated: 2025-09-11. Review status: criteria provided, single submitter. Criteria: Ambry Variant Classification Scheme 2023. Collection method: clinical testing. Allele origin: germline.

PreventionGenetics, part of Exact Sciences
Classification: Uncertain significance for ETV6-related condition. Last evaluated: 2025-01-16. Review status: criteria provided, single submitter. Criteria: ACMG Guidelines, 2015. Collection method: clinical testing. Allele origin: germline.
Comment: The ETV6 c.89C>T variant is predicted to result in the amino acid substitution p.Ser30Leu. To our knowledge, this variant has not been reported in the literature. This variant is reported in 0.0054% of alleles in individuals of East Asian descent in gnomAD and is interpreted as uncertain in ClinVar. At this time, the clinical significance of this variant is uncertain due to the absence of conclusive functional and genetic evidence.

GeneDx
Classification: Uncertain significance. Last evaluated: 2024-11-15. Review status: criteria provided, single submitter. Criteria: GeneDx Variant Classification Process June 2021. Collection method: clinical testing. Allele origin: germline.
Comment: Not observed at significant frequency in large population cohorts (gnomAD); In silico analysis indicates that this missense variant does not alter protein structure/function; Has not been previously published as pathogenic or benign to our knowledge

Labcorp Genetics (formerly Invitae), Labcorp
Classification: Uncertain significance. Last evaluated: 2024-02-14. Review status: criteria provided, single submitter. Criteria: Invitae Variant Classification Sherloc (09022015). Collection method: clinical testing. Allele origin: germline.
Comment: This sequence change replaces serine, which is neutral and polar, with leucine, which is neutral and non-polar, at codon 30 of the ETV6 protein (p.Ser30Leu). This variant is present in population databases (rs764237239, gnomAD 0.006%). This variant has not been reported in the literature in individuals affected with ETV6-related conditions. ClinVar contains an entry for this variant (Variation ID: 2514787). Advanced modeling of protein sequence and biophysical properties (such as structural, functional, and spatial information, amino acid conservation, physicochemical variation, residue mobility, and thermodynamic stability) performed at Invitae indicates that this missense variant is not expected to disrupt ETV6 protein function with a negative predictive value of 80%. In summary, the available evidence is currently insufficient to determine the role of this variant in disease. Therefore, it has been classified as a Variant of Uncertain Significance.

NM_001987.5(ETV6):c.89C>T (p.Ser30Leu)

Gene: ETV6 (ETS variant transcription factor 6; plus strand). Cytogenetic location: 12p13.2.
Variant type: single nucleotide variant.
Coding change: c.89C>T on transcript NM_001987.5 (MANE Select); coding-DNA position 89, C replaced by T.
Protein change: p.Ser30Leu; replaces serine 30 with leucine.
Molecular consequence: missense variant. On other transcripts: intron variant (1).
Genome position (GRCh38, 1-based): chr12:11,752,505, C>T. VCF-style: chr12-11752505-C-T. GRCh37 (hg19) VCF-style: chr12-11905439-C-T.
Other names: c.86C>T, p.Ser29Leu (NM_001413913.1); c.62C>T, p.Ser21Leu (NM_001413914.1); c.89C>T, p.Ser30Leu (NM_001413916.1, NM_001413917.1, NM_001413918.1); c.-101-86635C>T (NM_001413915.1); short protein forms S21L, S30L, S29L.
Identifiers: ClinVar variation 2514787 (VCV002514787.10), dbSNP rs764237239, ClinGen allele CA6454110.